The following is an entry in ClinVar:

ClinVar aggregate classification (germline): Uncertain significance (1 of 4 stars; one submission).

Conditions:
Intellectual developmental disorder 62. Also called: INTELLECTUAL DEVELOPMENTAL DISORDER, AUTOSOMAL DOMINANT 62; MENTAL RETARDATION, AUTOSOMAL DOMINANT 62. Identifiers: MedGen C5394083, MONDO:0032919, OMIM 618793.

Submission:

3billion
Classification: Uncertain significance for Intellectual developmental disorder 62. Last evaluated: 2024-11-25. Review status: criteria provided, single submitter. Criteria: ACMG Guidelines, 2015. Collection method: clinical testing. Allele origin: germline. Affected: yes.
Comment: The variant is not observed in the gnomAD v4.1.0 dataset. Predicted Consequence/Location: Synonymous variant In silico tools predict the variant to alter splicing and produce an abnormal transcript [SpliceAI: 0.62 (>=0.2, moderate evidence for spliceogenicity)]. Therefore, this variant is classified as VUS according to the recommendation of ACMG/AMP guideline.

NM_001321075.3(DLG4):c.1083G>C (p.Ser361=)

Genes: DLG4 (discs large MAGUK scaffold protein 4; minus strand), LOC126862479 (MED14-independent group 3 enhancer GRCh37_chr17:7099412-7100611; plus strand). Cytogenetic location: 17p13.1.
Variant type: single nucleotide variant.
Coding change: c.1083G>C on transcript NM_001321075.3 (MANE Select); coding-DNA position 1083, G replaced by C.
Protein change: p.Ser361=; no amino-acid change (serine 361 retained).
Molecular consequence: synonymous variant. On other transcripts: non-coding transcript variant (1).
Genome position (GRCh38, 1-based): chr17:7,196,757, C>G on the plus strand (G>C on the coding strand, the complement: DLG4 is on the minus strand). VCF-style: chr17-7196757-C-G. GRCh37 (hg19) VCF-style: chr17-7100076-C-G.
Other names: c.1074G>C, p.Ser358= (NM_001128827.4); c.1203G>C, p.Ser401= (NM_001321074.1); c.903G>C, p.Ser301= (NM_001321076.3, NM_001321077.3); c.1212G>C, p.Ser404= (NM_001365.5); c.1002G>C, p.Ser334= (NM_001369566.3).
Identifiers: ClinVar variation 4292490 (VCV004292490.1).
Genomic context (GRCh38, chr17:7,196,757, plus strand): 5'-AGCTCTGCGCTCTGCCCTGTGGGGAGGGGGTGGTGCAGGTAGGGGCAGGCCTTCCCTCAC[C>G]GACAGGATCTGGTCCCCCTTCCGCAGCTCCCCACTGAGGTCTGCAGGGCCCCCGGCCAGG-3'
Protein context (NP_001308004.1, residues 351-371): GELRKGDQIL[Ser361=]VNGVDLRNAS